The following is an entry in ClinVar:

NM_000297.4(PKD2):c.2186T>A (p.Leu729Gln)

Gene: PKD2 (polycystin 2, transient receptor potential cation channel; plus strand). Cytogenetic location: 4q22.1.
Variant type: single nucleotide variant.
Coding change: c.2186T>A on transcript NM_000297.4 (MANE Select); coding-DNA position 2186, T replaced by A.
Protein change: p.Leu729Gln; replaces leucine 729 with glutamine.
Molecular consequence: missense variant. On other transcripts: non-coding transcript variant (1).
Genome position (GRCh38, 1-based): chr4:88,065,441, T>A. VCF-style: chr4-88065441-T-A. GRCh37 (hg19) VCF-style: chr4-88986593-T-A.
Other names: short protein forms L729Q.
Identifiers: ClinVar variation 521113 (VCV000521113.15), dbSNP rs569788968, ClinGen allele CA3004155.

ClinVar aggregate classification (germline): Uncertain significance. Review status: criteria provided, multiple submitters, no conflicts (2 of 4 stars). 6 submissions from 6 submitters: Uncertain significance (5). 1 of the submissions does not count toward it. Last evaluated 2025-12-02.

Conditions:
PKD2-related disorder. Also called: PKD2-related condition.
Inborn genetic diseases. Identifiers: MedGen C0950123, MeSH D030342.
Autosomal dominant polycystic kidney disease. Identifiers: Orphanet 730, MedGen C0085413, MONDO:0004691.
Polycystic kidney disease 2 (PKD2). Also called: Polycystic Kidney Disease 2, Autosomal Dominant; POLYCYSTIC KIDNEY DISEASE, ADULT, TYPE II; POLYCYSTIC KIDNEY DISEASE 2 WITH OR WITHOUT POLYCYSTIC LIVER DISEASE. Identifiers: MedGen C2751306, MONDO:0013131, OMIM 613095.

Allele frequency attached by ClinVar (database versions not stated): ExAC 0.00002; gnomAD exomes 0.00002 and 0.00004; TOPMed 0.00003; gnomAD 0.00004; 1000 Genomes Project 30x 0.00016; 1000 Genomes Project 0.00020.
gnomAD v4.1: 28 of 1,613,304 alleles (0.0017%); highest among the groups gnomAD compares: Middle Eastern, 0.082%; no homozygotes.

Submissions (6):

Labcorp Genetics (formerly Invitae), Labcorp
Classification: Uncertain significance for Autosomal dominant polycystic kidney disease. Last evaluated: 2025-12-02. Review status: criteria provided, single submitter. Criteria: Invitae Variant Classification Sherloc (09022015). Collection method: clinical testing. Allele origin: germline.
Comment: This sequence change replaces leucine, which is neutral and non-polar, with glutamine, which is neutral and polar, at codon 729 of the PKD2 protein (p.Leu729Gln). This variant is present in population databases (rs569788968, gnomAD 0.01%). This missense change has been observed in individual(s) with clinical features of PKD2-related conditions (PMID: 32457805, 37543885). ClinVar contains an entry for this variant (Variation ID: 521113). Invitae Evidence Modeling of protein sequence and biophysical properties (such as structural, functional, and spatial information, amino acid conservation, physicochemical variation, residue mobility, and thermodynamic stability) indicates that this missense variant is expected to disrupt PKD2 protein function with a positive predictive value of 80%. In summary, the available evidence is currently insufficient to determine the role of this variant in disease. Therefore, it has been classified as a Variant of Uncertain Significance.

Victorian Clinical Genetics Services, Murdoch Childrens Research Institute
Classification: Uncertain significance for Polycystic kidney disease 2. Last evaluated: 2025-08-17. Review status: criteria provided, single submitter. Criteria: ACMG Guidelines, 2015. Collection method: clinical testing. Allele origin: germline. Affected: yes.
Comment: This variant is classified as VUS-3B. Evidence in support of pathogenic classification: Variant is present in gnomAD <0.001 for a dominant condition (v4: 28 heterozygote(s), 0 homozygote(s)); Missense variant predicted to be damaging by in silico tool(s) or highly conserved with a major amino acid change. Additional information: Variant is predicted to result in a missense amino acid change from Leu to Gln; This variant is heterozygous; This gene is associated with autosomal dominant disease; Alternative amino acid change(s) at the same position are present in gnomAD (Highest allele count: v4: 8 heterozygote(s), 0 homozygote(s)); Previous evidence of pathogenicity for this variant is inconclusive. This variant has been classified as a VUS by multiple clinical laboratories in ClinVar. Additionally, it has been reported as a VUS in the literature in multiple individuals with polycystic kidney disease (PMID: 37543885, 37909612, 32457805); No published evidence of segregation with disease has been identified for this variant; No published functional evidence has been identified for this variant; Another missense variant(s) comparable to the one identified in this case has inconclusive previous evidence for pathogenicity. p.(Leu729Pro) has been classified as a VUS by a clinical laboratory in ClinVar; Variant is not located in an established domain, motif, hotspot or informative constraint region; Loss of function is a known mechanism of disease in this gene and is associated with polycystic kidney disease 2 (MIM#613095); Inheritance information for this variant is not currently available in this individual.

Department of Pathology and Laboratory Medicine, Sinai Health System
Classification: Uncertain significance for Polycystic kidney disease 2. Last evaluated: 2024-06-06. Review status: criteria provided, single submitter. Criteria: ACMG Guidelines, 2015. Collection method: clinical testing. Allele origin: germline. Affected: yes.

Fulgent Genetics
Classification: Uncertain significance for Polycystic kidney disease 2. Last evaluated: 2021-10-17. Review status: criteria provided, single submitter. Criteria: ACMG Guidelines, 2015. Collection method: clinical testing. Allele origin: unknown.

Ambry Genetics
Classification: Uncertain significance for Inborn genetic diseases. Last evaluated: 2016-06-30. Review status: criteria provided, single submitter. Criteria: Ambry exome assertion method (8-5-2015). Collection method: clinical testing. Allele origin: germline. Affected: yes. Observed: 1 variant allele.

PreventionGenetics, part of Exact Sciences
Classification: Uncertain significance for PKD2-related condition. Last evaluated: 2024-03-18. Review status: no assertion criteria provided. Collection method: clinical testing. Allele origin: germline. Not counted in ClinVar's aggregate classification.
Comment: The PKD2 c.2186T>A variant is predicted to result in the amino acid substitution p.Leu729Gln. This variant was reported in two presumably unrelated individuals with autosomal dominant polycystic kidney disease (ADPKD) as a variant of uncertain significance (VUS) (Supplementary Table 3 of Mantovani et al 2020. PubMed ID: 32457805; Hosseinpour et al. 2022. PubMed ID: 37543885). This variant is reported in 0.0098% of alleles in individuals of South Asian descent in gnomAD. At this time, the clinical significance of this variant is uncertain due to the absence of conclusive functional and genetic evidence.

Literature cited by the submitters: PubMed 32457805 (cited by 3 submitters); PubMed 37543885 (cited by Labcorp Genetics (formerly Invitae), Labcorp and Victorian Clinical Genetics Services, Murdoch Childrens Research Institute); PubMed 37909612 (cited by Victorian Clinical Genetics Services, Murdoch Childrens Research Institute).